The following is an entry in ClinVar:

NM_016038.4(SBDS):c.500T>C (p.Ile167Thr)

Gene: SBDS (SBDS ribosome maturation factor; minus strand). Cytogenetic location: 7q11.21.
Variant type: single nucleotide variant.
Coding change: c.500T>C on transcript NM_016038.4 (MANE Select); coding-DNA position 500, T replaced by C.
Protein change: p.Ile167Thr; replaces isoleucine 167 with threonine.
Molecular consequence: missense variant.
Genome position (GRCh38, 1-based): chr7:66,991,261, A>G on the plus strand (T>C on the coding strand, the complement: SBDS is on the minus strand). VCF-style: chr7-66991261-A-G. GRCh37 (hg19) VCF-style: chr7-66456248-A-G.
Other names: short protein forms I167T.
Identifiers: ClinVar variation 3385114 (VCV003385114.1).

ClinVar aggregate classification (germline): Uncertain significance (1 of 4 stars; one submission).

gnomAD v4.1: 2 of 1,613,476 alleles (0.00012%); highest among the groups gnomAD compares: Non-Finnish European, 0.00017%; no homozygotes.

Submission:

Women's Health and Genetics/Laboratory Corporation of America, LabCorp
Classification: Uncertain significance. Last evaluated: 2024-10-23. Review status: criteria provided, single submitter. Criteria: LabCorp Variant Classification Summary - May 2015. Collection method: clinical testing. Allele origin: germline.
Comment: Variant summary: SBDS c.500T>C (p.Ile167Thr) results in a non-conservative amino acid change located in the central domain (IPR018978) of the encoded protein sequence. Five of five in-silico tools predict a damaging effect of the variant on protein function. The variant was absent in 250628 control chromosomes (gnomAD v2.1). The available data on variant occurrences in the general population are insufficient to allow any conclusion about variant significance. c.500T>C has been reported in the literature in a compound heterozygous individual affected with Shwachman-Diamond Syndrome 1 (Schaballie_2013). These data do not allow any conclusion about variant significance. At least one publication reported experimental evidence evaluating an impact on protein function, and in vitro fluorescence anisotropy measurements suggested that the variant disrupted the binding to EFL1 (Gijsbers_2018), these results however, do not allow convincing conclusions about the variant effect in vivo. The following publications have been ascertained in the context of this evaluation (PMID: 23315050, 30545121). No submitters have cited clinical-significance assessments for this variant to ClinVar. Based on the evidence outlined above, the variant was classified as uncertain significance.

Literature cited by the submitters: PubMed 30545121; PubMed 23315050.